The following is an entry in ClinVar:

NM_001135649.3(FOXI3):c.1081G>A (p.Ala361Thr)

Gene: FOXI3 (forkhead box I3; minus strand). Cytogenetic location: 2p11.2.
Variant type: single nucleotide variant.
Coding change: c.1081G>A on transcript NM_001135649.3 (MANE Select); coding-DNA position 1081, G replaced by A.
Protein change: p.Ala361Thr; replaces alanine 361 with threonine.
Molecular consequence: missense variant.
Genome position (GRCh38, 1-based): chr2:88,448,389, C>T on the plus strand (G>A on the coding strand, the complement: FOXI3 is on the minus strand). VCF-style: chr2-88448389-C-T. GRCh37 (hg19) VCF-style: chr2-88747908-C-T.
Other names: short protein forms A361T.
Identifiers: ClinVar variation 1996783 (VCV001996783.4), dbSNP rs1308765068, ClinGen allele CA347764617.

ClinVar aggregate classification (germline): Uncertain significance (1 of 4 stars; one submission).

Submission:

Labcorp Genetics (formerly Invitae), Labcorp
Classification: Uncertain significance. Last evaluated: 2023-12-18. Review status: criteria provided, single submitter. Criteria: Invitae Variant Classification Sherloc (09022015). Collection method: clinical testing. Allele origin: germline.
Comment: This sequence change replaces alanine, which is neutral and non-polar, with threonine, which is neutral and polar, at codon 361 of the FOXI3 protein (p.Ala361Thr). This variant is not present in population databases (gnomAD no frequency). This variant has not been reported in the literature in individuals affected with FOXI3-related conditions. ClinVar contains an entry for this variant (Variation ID: 1996783). Experimental studies and prediction algorithms are not available or were not evaluated, and the functional significance of this variant is currently unknown. In summary, the available evidence is currently insufficient to determine the role of this variant in disease. Therefore, it has been classified as a Variant of Uncertain Significance.